The following is an entry in ClinVar:

ClinVar aggregate classification (germline): Benign/Likely benign. Review status: criteria provided, multiple submitters, no conflicts (2 of 4 stars). 3 submissions from 3 submitters: Benign (1); Likely benign (2). Last evaluated 2026-01-05.

Conditions:
Orofaciodigital syndrome I (OFD1). Also called: Papillon-Leage and Psaume Syndrome; Oral-Facial-Digital Syndrome Type I; OFDS I. Identifiers: Orphanet 2750, MedGen C1510460, MONDO:0010702, OMIM 311200.
Joubert syndrome. Also called: JOUBERT-BOLTSHAUSER SYNDROME; Familial aplasia of the vermis. Identifiers: Orphanet 475, MedGen C5979921, MONDO:0018772.
OFD1-related disorder. Also called: OFD1-related condition.

Allele frequency attached by ClinVar (database versions not stated): gnomAD exomes 0.00001 and 0.00005; ExAC 0.00006; ESP Exome Variant Server 0.00009; gnomAD 0.00009 and 0.00011; TOPMed 0.00011.
gnomAD v4.1: 24 of 1,209,305 alleles (0.002%); highest among the groups gnomAD compares: African/African-American, 0.028%; no homozygotes.

Submissions (3):

PreventionGenetics, part of Exact Sciences
Classification: Likely benign for OFD1-related condition. Last evaluated: 2026-01-05. Review status: criteria provided, single submitter. Criteria: ACMG Guidelines, 2015. Collection method: clinical testing. Allele origin: germline.
Comment: This variant is classified as likely benign based on ACMG/AMP sequence variant interpretation guidelines (Richards et al. 2015 PMID: 25741868, with internal and published modifications).

Labcorp Genetics (formerly Invitae), Labcorp
Classification: Benign for Orofaciodigital syndrome I; Joubert syndrome. Last evaluated: 2025-01-05. Review status: criteria provided, single submitter. Criteria: Invitae Variant Classification Sherloc (09022015). Collection method: clinical testing. Allele origin: germline.

Blueprint Genetics
Classification: Likely benign. Last evaluated: 2022-02-09. Review status: criteria provided, single submitter. Criteria: ACMG Guidelines, 2015. Collection method: clinical testing. Allele origin: germline.

NM_003611.3(OFD1):c.780C>T (p.Leu260=)

Gene: OFD1 (OFD1 centriole and centriolar satellite protein; plus strand). Cytogenetic location: Xp22.2.
Variant type: single nucleotide variant.
Coding change: c.780C>T on transcript NM_003611.3 (MANE Select); coding-DNA position 780, C replaced by T.
Protein change: p.Leu260=; no amino-acid change (leucine 260 retained).
Molecular consequence: synonymous variant.
Genome position (GRCh38, 1-based): chrX:13,746,905, C>T. VCF-style: chrX-13746905-C-T. GRCh37 (hg19) VCF-style: chrX-13765024-C-T.
Other names: c.780C>T (NM_003611.2); c.780C>T, p.Leu260= (NM_001330209.2); c.360C>T, p.Leu120= (NM_001330210.2).
Identifiers: ClinVar variation 1168413 (VCV001168413.11), dbSNP rs368900892, ClinGen allele CA10351681.